The following is an entry in ClinVar:

ClinVar aggregate classification (germline): Pathogenic. Review status: criteria provided, multiple submitters, no conflicts (2 of 4 stars). 7 submissions from 7 submitters: Pathogenic (7). Last evaluated 2025-10-29.

Conditions:
COL2A1-related disorder. Also called: COL2A1-related condition; COL2A1-related disorders.
Stickler syndrome type 1 (STL1). Also called: COL2A1-Related Stickler Syndrome; STICKLER SYNDROME, MEMBRANOUS VITREOUS TYPE; STICKLER SYNDROME, VITREOUS TYPE 1; ARTHROOPHTHALMOPATHY, HEREDITARY PROGRESSIVE. Identifiers: Orphanet 828, Orphanet 90653, MedGen C2020284, MONDO:0007160, OMIM 108300.

Submissions (7):

Labcorp Genetics (formerly Invitae), Labcorp
Classification: Pathogenic. Last evaluated: 2025-10-29. Review status: criteria provided, single submitter. Criteria: Invitae Variant Classification Sherloc (09022015). Collection method: clinical testing. Allele origin: germline.
Comment: This sequence change creates a premature translational stop signal (p.Arg701*) in the COL2A1 gene. It is expected to result in an absent or disrupted protein product. Loss-of-function variants in COL2A1 are known to be pathogenic (PMID: 20179744). This variant is not present in population databases (gnomAD no frequency). This premature translational stop signal has been observed in individual(s) with autosomal dominant Stickler syndrome (PMID: 16752401, 18276201, 20513134). In at least one individual the variant was observed to be de novo. ClinVar contains an entry for this variant (Variation ID: 449397). For these reasons, this variant has been classified as Pathogenic.

GeneDx
Classification: Pathogenic. Last evaluated: 2024-09-23. Review status: criteria provided, single submitter. Criteria: GeneDx Variant Classification Process June 2021. Collection method: clinical testing. Allele origin: germline. Affected: yes.
Comment: Not observed at significant frequency in large population cohorts (gnomAD); Nonsense variant predicted to result in protein truncation or nonsense mediated decay in a gene for which loss of function is a known mechanism of disease; This variant is associated with the following publications: (PMID: 20179744, 20513134, 18276201, 34671977, 16752401)

Blueprint Genetics
Classification: Pathogenic for COL2A1-related disorders. Last evaluated: 2024-07-30. Review status: criteria provided, single submitter. Criteria: ACMG Guidelines, 2015. Collection method: clinical testing. Allele origin: germline. Affected: yes. Observed: 5 variant alleles.

Institute of Human Genetics Munich, TUM University Hospital
Classification: Pathogenic for Stickler syndrome type 1. Last evaluated: 2023-11-15. Review status: criteria provided, single submitter. Criteria: Classification criteria August 2017. Collection method: clinical testing. Allele origin: germline. Inheritance: Autosomal dominant inheritance. Affected: yes. Observed: 1 variant allele.

Baylor Genetics
Classification: Pathogenic for Stickler syndrome type 1. Last evaluated: 2023-02-10. Review status: criteria provided, single submitter. Criteria: ACMG Guidelines, 2015. Collection method: clinical testing. Allele origin: unknown.

Mendelics
Classification: Pathogenic for Stickler syndrome type 1. Last evaluated: 2019-05-28. Review status: criteria provided, single submitter. Criteria: Mendelics Assertion Criteria 2017. Collection method: clinical testing. Allele origin: unknown.

Juno Genomics, Hangzhou Juno Genomics, Inc
Classification: Pathogenic for Stickler syndrome type 1. Review status: criteria provided, single submitter. Criteria: ACMG Guidelines, 2015. Collection method: clinical testing. Allele origin: germline. Affected: yes.
Comment: Absent from controls (or at extremely low frequency if recessive) in Genome Aggregation Database, Exome Sequencing Project, 1000 Genomes Project, or Exome Aggregation Consortium.;Null variant in a gene where loss of function (LOF) is a known mechanism of disease.;The prevalence of the variant in affected individuals is significantly increased compared to the prevalence in controls.;Patient's phenotype or family history is highly specific for a disease with a single genetic etiology.

Literature cited by the submitters: PubMed 20179744 (cited by Labcorp Genetics (formerly Invitae), Labcorp); PubMed 16752401 (cited by Labcorp Genetics (formerly Invitae), Labcorp); PubMed 18276201 (cited by Labcorp Genetics (formerly Invitae), Labcorp); PubMed 20513134 (cited by Labcorp Genetics (formerly Invitae), Labcorp).

NM_001844.5(COL2A1):c.2101C>T (p.Arg701Ter)

Gene: COL2A1 (collagen type II alpha 1 chain; minus strand). Cytogenetic location: 12q13.11.
Variant type: single nucleotide variant.
Coding change: c.2101C>T on transcript NM_001844.5 (MANE Select); coding-DNA position 2101, C replaced by T.
Protein change: p.Arg701Ter; replaces arginine 701 with a stop codon.
Molecular consequence: nonsense.
Genome position (GRCh38, 1-based): chr12:47,982,940, G>A on the plus strand (C>T on the coding strand, the complement: COL2A1 is on the minus strand). VCF-style: chr12-47982940-G-A. GRCh37 (hg19) VCF-style: chr12-48376723-G-A.
Other names: c.1894C>T, p.Arg632Ter (NM_033150.3); short protein forms R701*, R632*.
Identifiers: ClinVar variation 449397 (VCV000449397.22), dbSNP rs1555166555, ClinGen allele CA384547258.
Genomic context (GRCh38, chr12:47,982,940, plus strand): 5'-GGCCACGGGGACCCTGGAGGCCCTGGGCACCGGGAGAGCCACGTTCACCTGGGAAACCTC[G>A]TTCACCCTGCGGCAGAGACACCAAGAAGTGATCAACCAACAGCAGTGGGGGAGAAGGTCC-3'